The following is an entry in ClinVar:

NM_000979.4(RPL18):c.-4C>T

Genes: RPL18 (ribosomal protein L18; minus strand), LOC130064867 (ATAC-STARR-seq lymphoblastoid active region 14902; plus strand). Cytogenetic location: 19q13.33.
Variant type: single nucleotide variant.
Coding change: c.-4C>T on transcript NM_000979.4 (MANE Select); 4 bases upstream of the start codon, C replaced by T.
Molecular consequence: 5 prime UTR variant. On other transcripts: non-coding transcript variant (1).
Genome position (GRCh38, 1-based): chr19:48,619,147, G>A on the plus strand (C>T on the coding strand, the complement: RPL18 is on the minus strand). VCF-style: chr19-48619147-G-A. GRCh37 (hg19) VCF-style: chr19-49122404-G-A.
Other names: c.-4C>T (NM_001270490.2).
Identifiers: ClinVar variation 3034834 (VCV003034834.3), dbSNP rs199791473, ClinGen allele CA9554347.

ClinVar aggregate classification (germline): Likely benign. Review status: criteria provided, single submitter (1 of 4 stars). 2 submissions from 2 submitters: Likely benign (1). 1 of the submissions does not count toward it. Last evaluated 2024-10-14.

Conditions:
RPL18-related disorder. Also called: RPL18-related condition.

Allele frequency attached by ClinVar (database versions not stated): ESP Exome Variant Server 0.00023; 1000 Genomes Project 0.00040; 1000 Genomes Project 30x 0.00047.

Submissions (2):

Blueprint Genetics
Classification: Likely benign. Last evaluated: 2024-10-14. Review status: criteria provided, single submitter. Criteria: ACMG Guidelines, 2015. Collection method: clinical testing. Allele origin: germline.

PreventionGenetics, part of Exact Sciences
Classification: Likely benign for RPL18-related condition. Last evaluated: 2019-09-10. Review status: no assertion criteria provided. Collection method: clinical testing. Allele origin: germline. Not counted in ClinVar's aggregate classification.
Comment: This variant is classified as likely benign based on ACMG/AMP sequence variant interpretation guidelines (Richards et al. 2015 PMID: 25741868, with internal and published modifications).